The following is an entry in ClinVar:

NM_031935.3(HMCN1):c.16415A>T (p.Asp5472Val)

Genes: HMCN1 (hemicentin 1; plus strand), LOC126805953 (P300/CBP strongly-dependent group 1 enhancer GRCh37_chr1:186156636-186157835; plus strand). Cytogenetic location: 1q31.1.
Variant type: single nucleotide variant.
Coding change: c.16415A>T on transcript NM_031935.3 (MANE Select); coding-DNA position 16415, A replaced by T.
Protein change: p.Asp5472Val; replaces aspartic acid 5472 with valine.
Molecular consequence: missense variant.
Genome position (GRCh38, 1-based): chr1:186,187,883, A>T. VCF-style: chr1-186187883-A-T. GRCh37 (hg19) VCF-style: chr1-186157015-A-T.
Other names: short protein forms D5472V.
Identifiers: ClinVar variation 1978919 (VCV001978919.4), dbSNP rs774106140, ClinGen allele CA343903876.

ClinVar aggregate classification (germline): Uncertain significance (1 of 4 stars; one submission).

gnomAD v4.1: 16 of 1,613,534 alleles (0.00099%); highest among the groups gnomAD compares: Non-Finnish European, 0.0014%; no homozygotes.

Submission:

Labcorp Genetics (formerly Invitae), Labcorp
Classification: Uncertain significance. Last evaluated: 2025-03-17. Review status: criteria provided, single submitter. Criteria: Invitae Variant Classification Sherloc (09022015). Collection method: clinical testing. Allele origin: germline.
Comment: This sequence change replaces aspartic acid, which is acidic and polar, with valine, which is neutral and non-polar, at codon 5472 of the HMCN1 protein (p.Asp5472Val). The frequency data for this variant in the population databases is considered unreliable, as metrics indicate poor data quality at this position in the gnomAD database. This variant has not been reported in the literature in individuals affected with HMCN1-related conditions. ClinVar contains an entry for this variant (Variation ID: 1978919). An algorithm developed to predict the effect of missense changes on protein structure and function (PolyPhen-2) suggests that this variant is likely to be disruptive. In summary, the available evidence is currently insufficient to determine the role of this variant in disease. Therefore, it has been classified as a Variant of Uncertain Significance.